The following is an entry in ClinVar:

ClinVar aggregate classification (germline): Uncertain significance (1 of 4 stars; one submission).

gnomAD v4.1: 2 of 1,612,820 alleles (0.00012%); highest among the groups gnomAD compares: Non-Finnish European, 0.00017%; no homozygotes.

Submission:

CeGaT Center for Human Genetics Tuebingen
Classification: Uncertain significance. Last evaluated: 2025-03-01. Review status: criteria provided, single submitter. Criteria: CeGaT Center For Human Genetics Tuebingen Variant Classification Criteria Version 2. Collection method: clinical testing. Allele origin: germline. Affected: yes. Observed: 1 variant allele.
Comment: COL9A3: PM2, PP3

NM_001853.4(COL9A3):c.362G>A (p.Gly121Glu)

Gene: COL9A3 (collagen type IX alpha 3 chain; plus strand). Cytogenetic location: 20q13.33.
Variant type: single nucleotide variant.
Coding change: c.362G>A on transcript NM_001853.4 (MANE Select); coding-DNA position 362, G replaced by A.
Protein change: p.Gly121Glu; replaces glycine 121 with glutamic acid.
Molecular consequence: missense variant.
Genome position (GRCh38, 1-based): chr20:62,821,523, G>A. VCF-style: chr20-62821523-G-A. GRCh37 (hg19) VCF-style: chr20-61452875-G-A.
Other names: short protein forms G121E.
Identifiers: ClinVar variation 3778220 (VCV003778220.7).
Genomic context (GRCh38, chr20:62,821,523, plus strand): 5'-CTTCTTGTGCCTGGCAGGCTCTGACCCCATGTTTGGCTTTGCAGGGCAAAGGCCTCCCTG[G>A]ACCCCCCGTGAGTACTGACAACCCTTGGGGCCCTGAGCAAGCACGCAAGTCCCGAGAGCC-3'
Protein context (NP_001844.3, residues 111-131): PPGLGGKGLP[Gly121Glu]PPGEAGVSGP